The following is an entry in ClinVar:

ClinVar aggregate classification (germline): Likely benign (1 of 4 stars; one submission).

Allele frequency attached by ClinVar (database versions not stated): gnomAD 0.00001; gnomAD exomes 0.00001; TOPMed 0.00001; ExAC 0.00003.
gnomAD v4.1: 19 of 1,612,760 alleles (0.0012%); highest among the groups gnomAD compares: Middle Eastern, 0.018%; no homozygotes.

Submission:

CeGaT Center for Human Genetics Tuebingen
Classification: Likely benign. Last evaluated: 2023-04-01. Review status: criteria provided, single submitter. Criteria: CeGaT Center For Human Genetics Tuebingen Variant Classification Criteria Version 2. Collection method: clinical testing. Allele origin: germline. Affected: yes. Observed: 1 variant allele.
Comment: CELF4: BP4, BP7

NM_020180.4(CELF4):c.900G>A (p.Ala300=)

Gene: CELF4 (CUGBP Elav-like family member 4; minus strand). Cytogenetic location: 18q12.2.
Variant type: single nucleotide variant.
Coding change: c.900G>A on transcript NM_020180.4 (MANE Select); coding-DNA position 900, G replaced by A.
Protein change: p.Ala300=; no amino-acid change (alanine 300 retained).
Molecular consequence: synonymous variant. On other transcripts: non-coding transcript variant (11).
Genome position (GRCh38, 1-based): chr18:37,273,065, C>T on the plus strand (G>A on the coding strand, the complement: CELF4 is on the minus strand). VCF-style: chr18-37273065-C-T. GRCh37 (hg19) VCF-style: chr18-34853028-C-T.
Other names: c.867G>A, p.Ala289= (NM_001353753.2, NM_001353695.2, NM_001353697.2 and 14 more transcripts); c.894G>A, p.Ala298= (NM_001353754.2, NM_001025088.2, NM_001353702.2 and 2 more transcripts); c.864G>A, p.Ala288= (NM_001353755.2, NM_001353705.2, NM_001353706.2 and 5 more transcripts); c.528G>A, p.Ala176= (NM_001353756.2, NM_001353761.2); c.501G>A, p.Ala167= (NM_001353757.2, NM_001353760.2); c.498G>A, p.Ala166= (NM_001353758.2, NM_001353759.2); c.897G>A, p.Ala299= (NM_001025087.2, NM_001330603.2, NM_001353696.2 and 12 more transcripts); c.870G>A, p.Ala290= (NM_001025089.2, NM_001353700.2, NM_001353703.2 and 6 more transcripts); and 1 more.
Identifiers: ClinVar variation 2648684 (VCV002648684.24), dbSNP rs766190775, ClinGen allele CA8943555.
Genomic context (GRCh38, chr18:37,273,065, plus strand): 5'-TGCCAGCTCACCTGAGGTTGGGGTCATAGGTGCGGCCGCCAGGCCATTCATGTTGAGGGC[C>T]GCCATCTGCTGCATCTGGGCGGCAGCGAAGGCAGCCATGGGGTTCAGGTAGCCGCCCTGC-3'
Protein context (NP_064565.1, residues 290-310): AFAAAQMQQM[Ala300=]ALNMNGLAAA